The following is an entry in ClinVar:

ClinVar aggregate classification (germline): Likely benign (1 of 4 stars; one submission).

Submission:

CeGaT Center for Human Genetics Tuebingen
Classification: Likely benign. Last evaluated: 2026-08-01. Review status: criteria provided, single submitter. Criteria: CeGaT Center For Human Genetics Tuebingen Variant Classification Criteria Version 2. Collection method: clinical testing. Allele origin: germline. Affected: yes. Observed: 1 variant allele.
Comment: LIMK2: BS1

NM_005569.4(LIMK2):c.1772+1490dup

Gene: LIMK2 (LIM domain kinase 2; plus strand). Cytogenetic location: 22q12.2.
Variant type: Duplication.
Coding change: c.1772+1490dup on transcript NM_005569.4 (MANE Select); 1490 bases into the intron after coding-DNA position 1772, one base duplicated (C; older notation c.1772+1490dupC).
Molecular consequence: intron variant. On other transcripts: frameshift variant (1).
Genome position (GRCh38, 1-based): chr22:31,276,798, C duplicated; the last of 8 consecutive C bases (chr22:31,276,791-31,276,798); duplicating any one gives the same sequence. VCF-style (leftmost placement, unchanged base first): chr22-31276790-G-GC. GRCh37 (hg19) VCF-style: chr22-31672776-G-GC.
Other names: c.1719dup, p.Gly574fs (NM_001031801.2); c.1709+1490dup (NM_016733.3); short protein forms G574fs.
Identifiers: ClinVar variation 5038477 (VCV005038477.1).